The following is an entry in ClinVar:

ClinVar aggregate classification (germline): Uncertain significance. Review status: criteria provided, multiple submitters, no conflicts (2 of 4 stars). 2 submissions from 2 submitters: Uncertain significance (2). Last evaluated 2026-07-06.

Conditions:
Hereditary cancer-predisposing syndrome. Also called: Hereditary Cancer Syndrome; Neoplastic Syndromes, Hereditary; Hereditary neoplastic syndrome; Tumor predisposition. Identifiers: Orphanet 140162, MedGen C0027672, MeSH D009386, MONDO:0015356.
Gorlin syndrome. Also called: Nevoid Basal Cell Carcinoma Syndrome; Basal cell nevus syndrome. Identifiers: Orphanet 377, MedGen C0004779, MONDO:0007187.
Medulloblastoma (MDB). Also called: Medulloblastoma, somatic; MEDULLOBLASTOMA PREDISPOSITION SYNDROME. Identifiers: Orphanet 616, MedGen C0025149, MeSH D008527, MONDO:0007959, OMIM 155255, HP:0002885.

Submissions (2):

Ambry Genetics
Classification: Uncertain significance for Hereditary cancer-predisposing syndrome. Last evaluated: 2026-07-06. Review status: criteria provided, single submitter. Criteria: Ambry Variant Classification Scheme 2023. Collection method: clinical testing. Allele origin: germline.
Comment: The p.T261I variant (also known as c.782C>T), located in coding exon 7 of the SUFU gene, results from a C to T substitution at nucleotide position 782. The threonine at codon 261 is replaced by isoleucine, an amino acid with similar properties. This amino acid position is conserved. In addition, this alteration is predicted to be tolerated by in silico analysis. Based on the available evidence, the clinical significance of this variant remains unclear.

Labcorp Genetics (formerly Invitae), Labcorp
Classification: Uncertain significance for Gorlin syndrome; Medulloblastoma. Last evaluated: 2025-10-06. Review status: criteria provided, single submitter. Criteria: Invitae Variant Classification Sherloc (09022015). Collection method: clinical testing. Allele origin: germline.
Comment: This sequence change replaces threonine, which is neutral and polar, with isoleucine, which is neutral and non-polar, at codon 261 of the SUFU protein (p.Thr261Ile). This variant is not present in population databases (gnomAD no frequency). This variant has not been reported in the literature in individuals affected with SUFU-related conditions. ClinVar contains an entry for this variant (Variation ID: 1422580). Invitae Evidence Modeling of protein sequence and biophysical properties (such as structural, functional, and spatial information, amino acid conservation, physicochemical variation, residue mobility, and thermodynamic stability) indicates that this missense variant is not expected to disrupt SUFU protein function with a negative predictive value of 80%. In summary, the available evidence is currently insufficient to determine the role of this variant in disease. Therefore, it has been classified as a Variant of Uncertain Significance.

NM_016169.4(SUFU):c.782C>T (p.Thr261Ile)

Gene: SUFU (SUFU negative regulator of hedgehog signaling; plus strand). Cytogenetic location: 10q24.32.
Variant type: single nucleotide variant.
Coding change: c.782C>T on transcript NM_016169.4 (MANE Select); coding-DNA position 782, C replaced by T.
Protein change: p.Thr261Ile; replaces threonine 261 with isoleucine.
Molecular consequence: missense variant.
Genome position (GRCh38, 1-based): chr10:102,597,165, C>T. VCF-style: chr10-102597165-C-T. GRCh37 (hg19) VCF-style: chr10-104356922-C-T.
Other names: c.782C>T, p.Thr261Ile (NM_001178133.2); c.782C>T (NM_016169.3); short protein forms T261I.
Identifiers: ClinVar variation 1422580 (VCV001422580.7), dbSNP rs2135881195, ClinGen allele CA377910341.